The following is an entry in ClinVar:

NM_031310.3(PLVAP):c.300G>T (p.Gln100His)

Gene: PLVAP (plasmalemma vesicle associated protein; minus strand). Cytogenetic location: 19p13.11.
Variant type: single nucleotide variant.
Coding change: c.300G>T on transcript NM_031310.3 (MANE Select); coding-DNA position 300, G replaced by T.
Protein change: p.Gln100His; replaces glutamine 100 with histidine.
Molecular consequence: missense variant.
Genome position (GRCh38, 1-based): chr19:17,376,989, C>A on the plus strand (G>T on the coding strand, the complement: PLVAP is on the minus strand). VCF-style: chr19-17376989-C-A. GRCh37 (hg19) VCF-style: chr19-17487798-C-A.
Other names: c.300G>T (NM_031310.1); short protein forms Q100H.
Identifiers: ClinVar variation 2113599 (VCV002113599.3), dbSNP rs773487124, ClinGen allele CA306071788.

ClinVar aggregate classification (germline): Uncertain significance. Review status: criteria provided, multiple submitters, no conflicts (2 of 4 stars). 2 submissions from 2 submitters: Uncertain significance (2). Last evaluated 2025-05-02.

Conditions:
Inborn genetic diseases. Identifiers: MedGen C0950123, MeSH D030342.

Allele frequency attached by ClinVar (database versions not stated): TOPMed 0.00004; gnomAD 0.00001.
gnomAD v4.1: 10 of 1,614,016 alleles (0.00062%); highest among the groups gnomAD compares: Admixed American, 0.012%; no homozygotes.

Submissions (2):

Ambry Genetics
Classification: Uncertain significance for Inborn genetic diseases. Last evaluated: 2025-05-02. Review status: criteria provided, single submitter. Criteria: Ambry Variant Classification Scheme 2023. Collection method: clinical testing. Allele origin: germline.

Labcorp Genetics (formerly Invitae), Labcorp
Classification: Uncertain significance. Last evaluated: 2022-08-04. Review status: criteria provided, single submitter. Criteria: Invitae Variant Classification Sherloc (09022015). Collection method: clinical testing. Allele origin: germline.
Comment: This sequence change replaces glutamine, which is neutral and polar, with histidine, which is basic and polar, at codon 100 of the PLVAP protein (p.Gln100His). This variant is present in population databases (rs773487124, gnomAD 0.006%). This variant has not been reported in the literature in individuals affected with PLVAP-related conditions. Algorithms developed to predict the effect of missense changes on protein structure and function are either unavailable or do not agree on the potential impact of this missense change (SIFT: "Tolerated"; PolyPhen-2: "Probably Damaging"; Align-GVGD: "Class C0"). In summary, the available evidence is currently insufficient to determine the role of this variant in disease. Therefore, it has been classified as a Variant of Uncertain Significance.